The following is an entry in ClinVar:

NM_022336.4(EDAR):c.844C>T (p.Arg282Trp)

Genes: EDAR (ectodysplasin A receptor; minus strand), RANBP2 (RAN binding protein 2; plus strand). Cytogenetic location: 2q13.
Variant type: single nucleotide variant.
Coding change: c.844C>T on transcript NM_022336.4 (MANE Select); coding-DNA position 844, C replaced by T.
Protein change: p.Arg282Trp; replaces arginine 282 with tryptophan.
Molecular consequence: missense variant.
Genome position (GRCh38, 1-based): chr2:108,907,979, G>A on the plus strand (C>T on the coding strand, the complement: EDAR is on the minus strand). VCF-style: chr2-108907979-G-A. GRCh37 (hg19) VCF-style: chr2-109524435-G-A.
Other names: short protein forms R282W.
Identifiers: ClinVar variation 330707 (VCV000330707.7), dbSNP rs781652310, ClinGen allele CA1824905.

ClinVar aggregate classification (germline): Conflicting classifications of pathogenicity. Review status: criteria provided, conflicting classifications (1 of 4 stars). 2 submissions from 2 submitters: Uncertain significance (1); Likely benign (1). Last evaluated 2025-01-09.

Conditions:
Hypohidrotic ectodermal dysplasia (HED). Identifiers: Orphanet 238468, MedGen C5848103, MONDO:0016535, HP:0007607.
Inborn genetic diseases. Identifiers: MedGen C0950123, MeSH D030342.

Allele frequency attached by ClinVar (database versions not stated): TOPMed 0.00001.
gnomAD v4.1: 23 of 1,612,128 alleles (0.0014%); highest among the groups gnomAD compares: Admixed American, 0.005%; no homozygotes.

Submissions (2):

Ambry Genetics
Classification: Uncertain significance for Inborn genetic diseases. Last evaluated: 2025-01-09. Review status: criteria provided, single submitter. Criteria: Ambry Variant Classification Scheme 2023. Collection method: clinical testing. Allele origin: germline.

Illumina Laboratory Services, Illumina
Classification: Likely benign for Hypohidrotic ectodermal dysplasia. Last evaluated: 2018-01-13. Review status: criteria provided, single submitter. Criteria: ICSL Variant Classification Criteria 13 December 2019. Collection method: clinical testing. Allele origin: germline.
Comment: This variant was observed in the ICSL laboratory as part of a predisposition screen in an ostensibly healthy population. It had not been previously curated by ICSL or reported in the Human Gene Mutation Database (HGMD: prior to June 1st, 2018), and was therefore a candidate for classification through an automated scoring system. Utilizing variant allele frequency, disease prevalence and penetrance estimates, and inheritance mode, an automated score was calculated to assess if this variant is too frequent to cause the disease. Based on the score and internal cut-off values, a variant classified as likely benign is not then subjected to further curation. The score for this variant resulted in a classification of likely benign for this disease.